The following is an entry in ClinVar:

ClinVar aggregate classification (germline): Uncertain significance (1 of 4 stars; one submission).

Submission:

GeneDx
Classification: Uncertain significance. Last evaluated: 2024-10-21. Review status: criteria provided, single submitter. Criteria: GeneDx Variant Classification Process June 2021. Collection method: clinical testing. Allele origin: germline. Affected: yes.
Comment: Not observed at significant frequency in large population cohorts (gnomAD); In silico analysis supports that this missense variant has a deleterious effect on protein structure/function; Has not been previously published as pathogenic or benign to our knowledge

NM_003038.5(SLC1A4):c.1145C>G (p.Ala382Gly)

Gene: SLC1A4 (solute carrier family 1 member 4; plus strand). Cytogenetic location: 2p14.
Variant type: single nucleotide variant.
Coding change: c.1145C>G on transcript NM_003038.5 (MANE Select); coding-DNA position 1145, C replaced by G.
Protein change: p.Ala382Gly; replaces alanine 382 with glycine.
Molecular consequence: missense variant.
Genome position (GRCh38, 1-based): chr2:65,018,181, C>G. VCF-style: chr2-65018181-C-G. GRCh37 (hg19) VCF-style: chr2-65245315-C-G.
Other names: c.251C>G, p.Ala84Gly (NM_001193493.2); c.485C>G, p.Ala162Gly (NM_001348406.2, NM_001348407.2); short protein forms A84G, A382G, A162G.
Identifiers: ClinVar variation 3781100 (VCV003781100.1).
Genomic context (GRCh38, chr2:65,018,181, plus strand): 5'-TGGACAAGAGGATCAGCAGGTTTATTCTCCCCATCGGGGCCACCGTGAACATGGACGGAG[C>G]AGCCATCTTCCAGTGTGTGGCCGCGGTGTTCATTGCGCAACTCAACAACGTAGAGCTCAA-3'
Protein context (NP_003029.2, residues 372-392): PIGATVNMDG[Ala382Gly]AIFQCVAAVF